The following is an entry in ClinVar:

ClinVar aggregate classification (germline): Conflicting classifications of pathogenicity. Review status: criteria provided, conflicting classifications (1 of 4 stars). 3 submissions from 3 submitters: Pathogenic (1); Uncertain significance (1). 1 of the submissions does not count toward it. Last evaluated 2025-11-22.

Conditions:
SERPINC1-related disorder. Also called: SERPINC1-related condition.
Hereditary antithrombin deficiency (AT3D). Also called: Antithrombin III deficiency; Reduced antithrombin III activity; Antithrombin deficiency; Thrombophilia due to antithrombin III deficiency. Identifiers: Orphanet 82, MedGen C0272375, MONDO:0013144, OMIM 613118, HP:0001976.
Tuberous sclerosis 2 (TSC2). Identifiers: Orphanet 805, MedGen C1860707, MONDO:0013199, OMIM 613254.

Submissions (3):

Labcorp Genetics (formerly Invitae), Labcorp
Classification: Uncertain significance for Hereditary antithrombin deficiency. Last evaluated: 2025-11-22. Review status: criteria provided, single submitter. Criteria: Invitae Variant Classification Sherloc (09022015). Collection method: clinical testing. Allele origin: germline.
Comment: This variant, c.1033_1035del, results in the deletion of 1 amino acid(s) of the SERPINC1 protein (p.Glu345del), but otherwise preserves the integrity of the reading frame. This variant is not present in population databases (gnomAD no frequency). This variant has been observed in individuals with antithrombin III deficiency (PMID: 8217824, 21486865, 29902631). This variant is also known as 311-313 (-GGA) deleting Glu. Experimental studies and prediction algorithms are not available or were not evaluated, and the functional significance of this variant is currently unknown. In summary, the available evidence is currently insufficient to determine the role of this variant in disease. Therefore, it has been classified as a Variant of Uncertain Significance.

Blueprint Genetics
Classification: Pathogenic for SERPINC1-related disorders. Last evaluated: 2020-02-05. Review status: criteria provided, single submitter. Criteria: ACMG Guidelines, 2015. Collection method: clinical testing. Allele origin: germline. Affected: yes. Observed: 1 variant allele.

Hubei Clinical and Research Center of Thrombosis and Hemostasis Institute of Hematology, Union Hospital
No classification provided. Review status: no classification provided. Collection method: not provided. Allele origin: not provided. Not counted in ClinVar's aggregate classification.

Literature cited by the submitters: PubMed 8217824 (cited by Labcorp Genetics (formerly Invitae), Labcorp); PubMed 21486865 (cited by Labcorp Genetics (formerly Invitae), Labcorp); PubMed 29902631 (cited by Labcorp Genetics (formerly Invitae), Labcorp).

NM_000488.4(SERPINC1):c.1030GAG[1] (p.Glu345del)

Gene: SERPINC1 (serpin family C member 1; minus strand). Cytogenetic location: 1q25.1.
Variant type: Microsatellite.
Coding change: c.1030GAG[1] on transcript NM_000488.4 (MANE Select); one copy of the 3-base unit GAG starting at c.1030; the reference has two copies in a row; one copy, 3 bases deleted.
Protein change: p.Glu345del; deletes glutamic acid 345.
Molecular consequence: inframe deletion.
Genome position (GRCh38, 1-based): chr1:173,909,670-173,909,672, CTC deleted on the plus strand (GAG on the coding strand, the reverse complement: SERPINC1 is on the minus strand); deleting any 3 consecutive bases within chr1:173,909,670-173,909,676 gives the same sequence; the position shown is the placement nearest the transcript's 3' end. VCF-style (leftmost placement, unchanged base first): chr1-173909669-TCTC-T. GRCh37 (hg19) VCF-style: chr1-173878807-TCTC-T.
Other names: c.1033_1035delGAG (NM_000488.3); c.886GAG[1], p.Glu297del (NM_001365052.2); c.1153GAG[1], p.Glu386del (NM_001386302.1); c.1111GAG[1], p.Glu372del (NM_001386303.1); c.1009GAG[1], p.Glu338del (NM_001386304.1); c.973GAG[1], p.Glu326del (NM_001386305.1); c.814GAG[1], p.Glu273del (NM_001386306.1); short protein forms E345del, E297del, E273del, E326del, E338del, E372del, E386del.
Identifiers: ClinVar variation 100924 (VCV000100924.3), dbSNP rs483352855, ClinGen allele CA150670.